The following is an entry in ClinVar:

ClinVar aggregate classification (germline): Uncertain significance. Review status: criteria provided, multiple submitters, no conflicts (2 of 4 stars). 2 submissions from 2 submitters: Uncertain significance (2). Last evaluated 2023-09-11.

Conditions:
Chédiak-Higashi syndrome (CHS). Also called: Chediak-Higashi Syndrome. Identifiers: Orphanet 167, MedGen C0007965, MONDO:0008963, OMIM 214500.

Allele frequency attached by ClinVar (database versions not stated): gnomAD exomes 0.00001; TOPMed 0.00001; ExAC 0.00003.
gnomAD v4.1: 12 of 1,613,922 alleles (0.00074%); highest among the groups gnomAD compares: Admixed American, 0.0083%; no homozygotes.

Submissions (2):

Labcorp Genetics (formerly Invitae), Labcorp
Classification: Uncertain significance for Chédiak-Higashi syndrome. Last evaluated: 2023-09-11. Review status: criteria provided, single submitter. Criteria: Invitae Variant Classification Sherloc (09022015). Collection method: clinical testing. Allele origin: germline.
Comment: This sequence change replaces leucine, which is neutral and non-polar, with histidine, which is basic and polar, at codon 618 of the LYST protein (p.Leu618His). This variant is present in population databases (rs774247077, gnomAD 0.006%). This variant has not been reported in the literature in individuals affected with LYST-related conditions. ClinVar contains an entry for this variant (Variation ID: 874121). Advanced modeling of protein sequence and biophysical properties (such as structural, functional, and spatial information, amino acid conservation, physicochemical variation, residue mobility, and thermodynamic stability) performed at Invitae indicates that this missense variant is not expected to disrupt LYST protein function. In summary, the available evidence is currently insufficient to determine the role of this variant in disease. Therefore, it has been classified as a Variant of Uncertain Significance.

Illumina Laboratory Services, Illumina
Classification: Uncertain significance for Chédiak-Higashi syndrome. Last evaluated: 2018-01-12. Review status: criteria provided, single submitter. Criteria: ICSL Variant Classification Criteria 13 December 2019. Collection method: clinical testing. Allele origin: germline.

NM_000081.4(LYST):c.1853T>A (p.Leu618His)

Gene: LYST (lysosomal trafficking regulator; minus strand). Cytogenetic location: 1q42.3.
Variant type: single nucleotide variant.
Coding change: c.1853T>A on transcript NM_000081.4 (MANE Select); coding-DNA position 1853, T replaced by A.
Protein change: p.Leu618His; replaces leucine 618 with histidine.
Molecular consequence: missense variant.
Genome position (GRCh38, 1-based): chr1:235,808,965, A>T on the plus strand (T>A on the coding strand, the complement: LYST is on the minus strand). VCF-style: chr1-235808965-A-T. GRCh37 (hg19) VCF-style: chr1-235972265-A-T.
Other names: c.1853T>A, p.Leu618His (NM_001301365.1); short protein forms L618H.
Identifiers: ClinVar variation 874121 (VCV000874121.6), dbSNP rs774247077, ClinGen allele CA1467392.
Genomic context (GRCh38, chr1:235,808,965, plus strand): 5'-TTACAAGCTGCTTTTTTAATTTTTGGTGATATCTCTGCTCCTCCTAACTGATCCAAAATA[A>T]GTTTGTTAAGGATATTCAATATATGCTGCTGAAAATTTTTCAGTGCTGGCAATTTAAAAG-3'
Protein context (NP_000072.2, residues 608-628): QQHILNILNK[Leu618His]ILDQLGGAEI